The following is an entry in ClinVar:

NM_182914.3(SYNE2):c.6989A>G (p.Asp2330Gly)

Gene: SYNE2 (spectrin repeat containing nuclear envelope protein 2; plus strand). Cytogenetic location: 14q23.2.
Variant type: single nucleotide variant.
Coding change: c.6989A>G on transcript NM_182914.3 (MANE Select); coding-DNA position 6989, A replaced by G.
Protein change: p.Asp2330Gly; replaces aspartic acid 2330 with glycine.
Molecular consequence: missense variant.
Genome position (GRCh38, 1-based): chr14:64,031,125, A>G. VCF-style: chr14-64031125-A-G. GRCh37 (hg19) VCF-style: chr14-64497843-A-G.
Other names: c.6989A>G, p.Asp2330Gly (NM_015180.6); short protein forms D2330G.
Identifiers: ClinVar variation 3714521 (VCV003714521.2).

ClinVar aggregate classification (germline): Uncertain significance (1 of 4 stars; one submission).

Conditions:
Emery-Dreifuss muscular dystrophy 5, autosomal dominant (EDMD5). Also called: EMERY-DREIFUSS MUSCULAR DYSTROPHY 5. Identifiers: Orphanet 261, MedGen C2751805, MONDO:0013072, OMIM 612999.

Submission:

Labcorp Genetics (formerly Invitae), Labcorp
Classification: Uncertain significance for Emery-Dreifuss muscular dystrophy 5, autosomal dominant. Last evaluated: 2024-04-11. Review status: criteria provided, single submitter. Criteria: Invitae Variant Classification Sherloc (09022015). Collection method: clinical testing. Allele origin: germline.
Comment: This sequence change replaces aspartic acid, which is acidic and polar, with glycine, which is neutral and non-polar, at codon 2330 of the SYNE2 protein (p.Asp2330Gly). This variant is not present in population databases (gnomAD no frequency). This variant has not been reported in the literature in individuals affected with SYNE2-related conditions. An algorithm developed to predict the effect of missense changes on protein structure and function (PolyPhen-2) suggests that this variant is likely to be disruptive. In summary, the available evidence is currently insufficient to determine the role of this variant in disease. Therefore, it has been classified as a Variant of Uncertain Significance.